The following is an entry in ClinVar:

ClinVar aggregate classification (germline): Uncertain significance. Review status: criteria provided, multiple submitters, no conflicts (2 of 4 stars). 3 submissions from 3 submitters: Uncertain significance (3). Last evaluated 2025-04-08.

Conditions:
Combined oxidative phosphorylation defect type 24. Also called: Combined oxidative phosphorylation deficiency 24. Identifiers: Orphanet 444458, MedGen C4015643, MONDO:0014547, OMIM 616239.
Inborn genetic diseases. Identifiers: MedGen C0950123, MeSH D030342.

Submissions (3):

Ambry Genetics
Classification: Uncertain significance for Inborn genetic diseases. Last evaluated: 2025-04-08. Review status: criteria provided, single submitter. Criteria: Ambry Variant Classification Scheme 2023. Collection method: clinical testing. Allele origin: germline.

Labcorp Genetics (formerly Invitae), Labcorp
Classification: Uncertain significance. Last evaluated: 2022-02-18. Review status: criteria provided, single submitter. Criteria: Invitae Variant Classification Sherloc (09022015). Collection method: clinical testing. Allele origin: germline.
Comment: In summary, the available evidence is currently insufficient to determine the role of this variant in disease. Therefore, it has been classified as a Variant of Uncertain Significance. Algorithms developed to predict the effect of missense changes on protein structure and function are either unavailable or do not agree on the potential impact of this missense change (SIFT: "Deleterious"; PolyPhen-2: "Probably Damaging"; Align-GVGD: "Class C0"). ClinVar contains an entry for this variant (Variation ID: 1033639). This variant has not been reported in the literature in individuals affected with NARS2-related conditions. This variant is not present in population databases (gnomAD no frequency). This sequence change replaces arginine, which is basic and polar, with glycine, which is neutral and non-polar, at codon 146 of the NARS2 protein (p.Arg146Gly).

Baylor Genetics
Classification: Uncertain significance for Combined oxidative phosphorylation defect type 24. Last evaluated: 2018-09-19. Review status: criteria provided, single submitter. Criteria: ACMG Guidelines, 2015. Collection method: clinical testing. Allele origin: unknown. Affected: yes.
Comment: This variant was determined to be of uncertain significance according to ACMG Guidelines, 2015 [PMID:25741868].

NM_024678.6(NARS2):c.436A>G (p.Arg146Gly)

Gene: NARS2 (asparaginyl-tRNA synthetase 2, mitochondrial; minus strand). Cytogenetic location: 11q14.1.
Variant type: single nucleotide variant.
Coding change: c.436A>G on transcript NM_024678.6 (MANE Select); coding-DNA position 436, A replaced by G.
Protein change: p.Arg146Gly; replaces arginine 146 with glycine.
Molecular consequence: missense variant. On other transcripts: 5 prime UTR variant (1).
Genome position (GRCh38, 1-based): chr11:78,566,209, T>C on the plus strand (A>G on the coding strand, the complement: NARS2 is on the minus strand). VCF-style: chr11-78566209-T-C. GRCh37 (hg19) VCF-style: chr11-78277255-T-C.
Other names: c.-246A>G (NM_001243251.2); short protein forms R146G.
Identifiers: ClinVar variation 1033639 (VCV001033639.6), dbSNP rs1856737824, ClinGen allele CA382179943.